The following is an entry in ClinVar:

NM_001371596.2(MFSD8):c.211G>A (p.Ala71Thr)

Gene: MFSD8 (major facilitator superfamily domain containing 8; minus strand). Cytogenetic location: 4q28.2.
Variant type: single nucleotide variant.
Coding change: c.211G>A on transcript NM_001371596.2 (MANE Select); coding-DNA position 211, G replaced by A.
Protein change: p.Ala71Thr; replaces alanine 71 with threonine.
Molecular consequence: missense variant.
Genome position (GRCh38, 1-based): chr4:127,943,980, C>T on the plus strand (G>A on the coding strand, the complement: MFSD8 is on the minus strand). VCF-style: chr4-127943980-C-T. GRCh37 (hg19) VCF-style: chr4-128865135-C-T.
Other names: p.A71T:GCT>ACT; c.211G>A, p.Ala71Thr (NM_001363520.3, NM_001363521.3, NM_001371591.2 and 5 more transcripts); c.76G>A, p.Ala26Thr (NM_001371590.2, NM_001371595.1, NM_001410765.1); short protein forms A71T, A26T.
Identifiers: ClinVar variation 206146 (VCV000206146.4), dbSNP rs796052741, ClinGen allele CA315954.

ClinVar aggregate classification (germline): Uncertain significance (1 of 4 stars; one submission).

Submission:

GeneDx
Classification: Uncertain significance. Last evaluated: 2015-06-18. Review status: criteria provided, single submitter. Criteria: GeneDx Variant Classification (06012015). Collection method: clinical testing. Allele origin: germline. Affected: yes.
Comment: p.Ala71Thr (GCT>ACT): c.211 G>A in exon 5 of the MFSD8 gene (NM_152778.2)A variant of unknown significance has been identified in the MFSD8 gene. The A71T variant has not been published as a mutation, nor has it been reported as a benign polymorphism to our knowledge. It was not observed in approximately 6,500 individuals of European and African American ancestry in the NHLBI Exome Sequencing Project, indicating it is not a common benign variant in these populations. The A71T variant is a non-conservative amino acid substitution, which is likely to impact secondary protein structure as these residues differ in polarity, charge, size and/or other properties. This substitution occurs at a position that is conserved across species, however in silico analysis is inconsistent in its predictions as to whether or not the variant is damaging to the protein structure/function. Therefore, based on the currently available information, it is unclear whether this variant is a pathogenic mutation or a rare benign variant. The variant is found in CHILD-EPI panel(s).